The following is an entry in ClinVar:

NM_001042472.3(ABHD12):c.82G>A (p.Ala28Thr)

Genes: ABHD12 (abhydrolase domain containing 12, lysophospholipase; minus strand), LOC130065586 (ATAC-STARR-seq lymphoblastoid silent region 12752; plus strand). Cytogenetic location: 20p11.21.
Variant type: single nucleotide variant.
Coding change: c.82G>A on transcript NM_001042472.3 (MANE Select); coding-DNA position 82, G replaced by A.
Protein change: p.Ala28Thr; replaces alanine 28 with threonine.
Molecular consequence: missense variant.
Genome position (GRCh38, 1-based): chr20:25,390,622, C>T on the plus strand (G>A on the coding strand, the complement: ABHD12 is on the minus strand). VCF-style: chr20-25390622-C-T. GRCh37 (hg19) VCF-style: chr20-25371258-C-T.
Other names: c.82G>A, p.Ala28Thr (NM_015600.5); short protein forms A28T.
Identifiers: ClinVar variation 2124296 (VCV002124296.4), dbSNP rs944019336, ClinGen allele CA313686107.

ClinVar aggregate classification (germline): Uncertain significance (1 of 4 stars; one submission).

Allele frequency attached by ClinVar (database versions not stated): gnomAD 0.00001; TOPMed 0.00001.
gnomAD v4.1: 3 of 1,460,658 alleles (0.00021%); highest among the groups gnomAD compares: African/African-American, 0.003%; no homozygotes.

Submission:

Labcorp Genetics (formerly Invitae), Labcorp
Classification: Uncertain significance. Last evaluated: 2022-04-10. Review status: criteria provided, single submitter. Criteria: Invitae Variant Classification Sherloc (09022015). Collection method: clinical testing. Allele origin: germline.
Comment: This sequence change replaces alanine, which is neutral and non-polar, with threonine, which is neutral and polar, at codon 28 of the ABHD12 protein (p.Ala28Thr). This variant is not present in population databases (gnomAD no frequency). This variant has not been reported in the literature in individuals affected with ABHD12-related conditions. Algorithms developed to predict the effect of missense changes on protein structure and function are either unavailable or do not agree on the potential impact of this missense change (SIFT: "Deleterious"; PolyPhen-2: "Benign"; Align-GVGD: "Class C0"). In summary, the available evidence is currently insufficient to determine the role of this variant in disease. Therefore, it has been classified as a Variant of Uncertain Significance.